The following is an entry in ClinVar:

NM_000404.4(GLB1):c.1184C>T (p.Ser395Phe)

Gene: GLB1 (galactosidase beta 1; minus strand). Cytogenetic location: 3p22.3.
Variant type: single nucleotide variant.
Coding change: c.1184C>T on transcript NM_000404.4 (MANE Select); coding-DNA position 1184, C replaced by T.
Protein change: p.Ser395Phe; replaces serine 395 with phenylalanine.
Molecular consequence: missense variant.
Genome position (GRCh38, 1-based): chr3:33,021,615, G>A on the plus strand (C>T on the coding strand, the complement: GLB1 is on the minus strand). VCF-style: chr3-33021615-G-A. GRCh37 (hg19) VCF-style: chr3-33063107-G-A.
Other names: c.1094C>T, p.Ser365Phe (NM_001079811.3); c.791C>T, p.Ser264Phe (NM_001135602.3); c.1328C>T, p.Ser443Phe (NM_001317040.2); c.1184C>T, p.Ser395Phe (NM_001393580.1); short protein forms S264F, S443F, S365F, S395F.
Identifiers: ClinVar variation 1992580 (VCV001992580.1), dbSNP rs1697487939, ClinGen allele CA351993145.

ClinVar aggregate classification (germline): Uncertain significance (1 of 4 stars; one submission).

Conditions:
GM1 gangliosidosis. Identifiers: Orphanet 354, MedGen C0085131, MONDO:0018149.
Mucopolysaccharidosis, MPS-IV-B (MPS4B). Also called: Mucopolysaccharidosis type IV B; Mucopolysaccharidosis type 4B; MORQUIO SYNDROME B; Mucopolysaccharidosis type IVB (Morquio); MPS IVB; Mucopolysaccharidosis Type IVB. Identifiers: Orphanet 309310, Orphanet 582, MedGen C0086652, MONDO:0009660, OMIM 253010.

gnomAD v4.1: 1 of 1,614,080 alleles (0.000062%); highest among the groups gnomAD compares: Non-Finnish European, 0.000085%; no homozygotes.

Submission:

Labcorp Genetics (formerly Invitae), Labcorp
Classification: Uncertain significance for Mucopolysaccharidosis, MPS-IV-B; GM1 gangliosidosis. Last evaluated: 2022-08-05. Review status: criteria provided, single submitter. Criteria: Invitae Variant Classification Sherloc (09022015). Collection method: clinical testing. Allele origin: germline.
Comment: This sequence change replaces serine, which is neutral and polar, with phenylalanine, which is neutral and non-polar, at codon 395 of the GLB1 protein (p.Ser395Phe). This variant is not present in population databases (gnomAD no frequency). This variant has not been reported in the literature in individuals affected with GLB1-related conditions. Advanced modeling of protein sequence and biophysical properties (such as structural, functional, and spatial information, amino acid conservation, physicochemical variation, residue mobility, and thermodynamic stability) performed at Invitae indicates that this missense variant is expected to disrupt GLB1 protein function. In summary, the available evidence is currently insufficient to determine the role of this variant in disease. Therefore, it has been classified as a Variant of Uncertain Significance.